The following is an entry in ClinVar:

NM_017636.4(TRPM4):c.1987G>A (p.Ala663Thr)

Gene: TRPM4 (transient receptor potential cation channel subfamily M member 4; plus strand). Cytogenetic location: 19q13.33.
Variant type: single nucleotide variant.
Coding change: c.1987G>A on transcript NM_017636.4 (MANE Select); coding-DNA position 1987, G replaced by A.
Protein change: p.Ala663Thr; replaces alanine 663 with threonine.
Molecular consequence: missense variant.
Genome position (GRCh38, 1-based): chr19:49,189,059, G>A. VCF-style: chr19-49189059-G-A. GRCh37 (hg19) VCF-style: chr19-49692316-G-A.
Other names: c.1987G>A, p.Ala663Thr (NM_001195227.2); c.1642G>A, p.Ala548Thr (NM_001321281.2); c.379G>A, p.Ala127Thr (NM_001321282.2); c.1465G>A, p.Ala489Thr (NM_001321283.2); c.925G>A, p.Ala309Thr (NM_001321285.2); short protein forms A127T, A309T, A663T, A489T, A548T.
Identifiers: ClinVar variation 954999 (VCV000954999.10), dbSNP rs777033881, ClinGen allele CA9569390.

ClinVar aggregate classification (germline): Uncertain significance. Review status: criteria provided, multiple submitters, no conflicts (2 of 4 stars). 2 submissions from 2 submitters: Uncertain significance (2). Last evaluated 2023-12-23.

Conditions:
Cardiovascular phenotype. Identifiers: MedGen CN230736.
Progressive familial heart block type IB (PFHB1B). Identifiers: Orphanet 871, MedGen C1970298, MONDO:0011474, OMIM 604559.

Allele frequency attached by ClinVar (database versions not stated): gnomAD exomes below 0.00001; ExAC 0.00001.
gnomAD v4.1: 1 of 1,614,146 alleles (0.000062%); highest among the groups gnomAD compares: South Asian, 0.0011%; no homozygotes.

Submissions (2):

Ambry Genetics
Classification: Uncertain significance for Cardiovascular phenotype. Last evaluated: 2023-12-23. Review status: criteria provided, single submitter. Criteria: Ambry Variant Classification Scheme 2023. Collection method: clinical testing. Allele origin: germline.
Comment: The p.A663T variant (also known as c.1987G>A), located in coding exon 14 of the TRPM4 gene, results from a G to A substitution at nucleotide position 1987. The alanine at codon 663 is replaced by threonine, an amino acid with similar properties. This amino acid position is conserved. In addition, this alteration is predicted to be tolerated by in silico analysis. Since supporting evidence is limited at this time, the clinical significance of this alteration remains unclear.

Labcorp Genetics (formerly Invitae), Labcorp
Classification: Uncertain significance for Progressive familial heart block type IB. Last evaluated: 2019-11-14. Review status: criteria provided, single submitter. Criteria: Invitae Variant Classification Sherloc (09022015). Collection method: clinical testing. Allele origin: germline.
Comment: This variant is present in population databases (rs777033881, ExAC 0.002%). This sequence change replaces alanine with threonine at codon 663 of the TRPM4 protein (p.Ala663Thr). The alanine residue is moderately conserved and there is a small physicochemical difference between alanine and threonine. This variant has not been reported in the literature in individuals with TRPM4-related conditions. Algorithms developed to predict the effect of missense changes on protein structure and function (SIFT, PolyPhen-2, Align-GVGD) all suggest that this variant is likely to be tolerated, but these predictions have not been confirmed by published functional studies and their clinical significance is uncertain. In summary, the available evidence is currently insufficient to determine the role of this variant in disease. Therefore, it has been classified as a Variant of Uncertain Significance.